The following is an entry in ClinVar:

NM_001940.4(ATN1):c.997C>T (p.His333Tyr)

Gene: ATN1 (atrophin 1; plus strand). Cytogenetic location: 12p13.31.
Variant type: single nucleotide variant.
Coding change: c.997C>T on transcript NM_001940.4 (MANE Select); coding-DNA position 997, C replaced by T.
Protein change: p.His333Tyr; replaces histidine 333 with tyrosine.
Molecular consequence: missense variant.
Genome position (GRCh38, 1-based): chr12:6,936,264, C>T. VCF-style: chr12-6936264-C-T. GRCh37 (hg19) VCF-style: chr12-7045427-C-T.
Other names: c.997C>T, p.His333Tyr (NM_001007026.2, NM_001424176.1, NM_001424177.1 and 1 more transcripts); c.994C>T, p.His332Tyr (NM_001424179.1, NM_001424180.1, NM_001424182.1); short protein forms H332Y, H333Y.
Identifiers: ClinVar variation 3389918 (VCV003389918.14).
Genomic context (GRCh38, chr12:6,936,264, plus strand): 5'-GCATCAGCCTCTCCCCCTGGCCTGGGGGCCCAACCACTACCTGGTCATCTGCCCTCTCCC[C>T]ACGCCATGGGACAGGGTATGGGTGGACTTCCTCCTGGCCCAGAGAAGGGCCCAACTCTGG-3'
Protein context (NP_001931.2, residues 323-343): QPLPGHLPSP[His333Tyr]AMGQGMGGLP

ClinVar aggregate classification (germline): Uncertain significance (1 of 4 stars; one submission).

Submission:

CeGaT Center for Human Genetics Tuebingen
Classification: Uncertain significance. Last evaluated: 2024-10-01. Review status: criteria provided, single submitter. Criteria: CeGaT Center For Human Genetics Tuebingen Variant Classification Criteria Version 2. Collection method: clinical testing. Allele origin: germline. Affected: yes. Observed: 1 variant allele.
Comment: ATN1: PM2